The following is an entry in ClinVar:

ClinVar aggregate classification (germline): Likely benign. Review status: criteria provided, multiple submitters, no conflicts (2 of 4 stars). 4 submissions from 3 submitters: Likely benign (4). Last evaluated 2025-10-24.

Conditions:
Autosomal dominant nocturnal frontal lobe epilepsy 5. Also called: Epilepsy, nocturnal frontal lobe, 5; CILIARY DYSKINESIA, PRIMARY, 28, WITHOUT SITUS INVERSUS; CILIARY DYSKINESIA, PRIMARY, 28, WITH SITUS INVERSUS; KCNT1-Related Epilepsy. Identifiers: Orphanet 98784, MedGen C3554306, MONDO:0014002, OMIM 615005.
Developmental and epileptic encephalopathy, 14 (DEE14). Also called: Early infantile epileptic encephalopathy 14. Identifiers: Orphanet 293181, MedGen C3554195, MONDO:0013989, OMIM 614959.

Allele frequency attached by ClinVar (database versions not stated): ExAC below 0.00001; gnomAD 0.00002 and 0.00005; gnomAD exomes 0.00005 and 0.00008; TOPMed 0.00006; 1000 Genomes Project 30x 0.00016; 1000 Genomes Project 0.00040.
gnomAD v4.1: 72 of 1,516,248 alleles (0.0047%); highest among the groups gnomAD compares: Admixed American, 0.017%; no homozygotes.

Submissions (4):

Labcorp Genetics (formerly Invitae), Labcorp
Classification: Likely benign for Autosomal dominant nocturnal frontal lobe epilepsy 5; Developmental and epileptic encephalopathy, 14. Last evaluated: 2025-10-24. Review status: criteria provided, single submitter. Criteria: Invitae Variant Classification Sherloc (09022015). Collection method: clinical testing. Allele origin: germline.

Genome-Nilou Lab
Classification: Likely benign for Developmental and epileptic encephalopathy, 14. Last evaluated: 2022-03-15. Review status: criteria provided, single submitter. Criteria: ACMG Guidelines, 2015. Collection method: clinical testing. Allele origin: germline. Affected: no.

Genome-Nilou Lab
Classification: Likely benign for Autosomal dominant nocturnal frontal lobe epilepsy 5. Last evaluated: 2022-03-15. Review status: criteria provided, single submitter. Criteria: ACMG Guidelines, 2015. Collection method: clinical testing. Allele origin: germline. Affected: no.

GeneDx
Classification: Likely benign. Last evaluated: 2017-11-07. Review status: criteria provided, single submitter. Criteria: GeneDx Variant Classification (06012015). Collection method: clinical testing. Allele origin: germline. Affected: yes.
Comment: This variant is considered likely benign or benign based on one or more of the following criteria: it is a conservative change, it occurs at a poorly conserved position in the protein, it is predicted to be benign by multiple in silico algorithms, and/or has population frequency not consistent with disease.

NM_020822.3(KCNT1):c.2104G>A (p.Gly702Ser)

Gene: KCNT1 (potassium sodium-activated channel subfamily T member 1; plus strand). Cytogenetic location: 9q34.3.
Variant type: single nucleotide variant.
Coding change: c.2104G>A on transcript NM_020822.3 (MANE Select); coding-DNA position 2104, G replaced by A.
Protein change: p.Gly702Ser; replaces glycine 702 with serine.
Molecular consequence: missense variant.
Genome position (GRCh38, 1-based): chr9:135,772,810, G>A. VCF-style: chr9-135772810-G-A. GRCh37 (hg19) VCF-style: chr9-138664656-G-A.
Other names: c.1969G>A, p.Gly657Ser (NM_001272003.2); short protein forms G702S, G657S.
Identifiers: ClinVar variation 513011 (VCV000513011.13), dbSNP rs550447485, ClinGen allele CA5327185.